The following is an entry in ClinVar:

NM_152564.5(VPS13B):c.7146del (p.Gln2382fs)

Gene: VPS13B (vacuolar protein sorting 13 homolog B; plus strand). Cytogenetic location: 8q22.2.
Variant type: Deletion.
Coding change: c.7146del on transcript NM_152564.5 (MANE Select); coding-DNA position 7146, one base deleted (G; older notation c.7146delG).
Protein change: p.Gln2382fs; shifts the reading frame from glutamine 2382.
Molecular consequence: frameshift variant.
Genome position (GRCh38, 1-based): chr8:99,766,869, G deleted. VCF-style (leftmost placement, unchanged base first): chr8-99766868-AG-A. GRCh37 (hg19) VCF-style: chr8-100779096-AG-A.
Other names: c.7221delG (NM_017890.4); c.7221del, p.Gln2407fs (NM_017890.5); short protein forms Q2382fs, Q2407fs.
Identifiers: ClinVar variation 56686 (VCV000056686.3), dbSNP rs386834105, ClinGen allele CA264119.
Genomic context (GRCh38, chr8:99,766,868, plus strand): 5'-AGAAGGTTTTTGTTGCATTTAGAGAATTTAATCTGTCTGAAAGCAAAGTTTGTGAACTGC[AG>A]TTGCCGGATATCAATCTCGTGAATGACCAGAAGAAATTAGTATCTTCAGATCTTTGGAGA-3'

ClinVar aggregate classification (germline): Pathogenic. Review status: criteria provided, single submitter (1 of 4 stars). 2 submissions from 2 submitters: Pathogenic (1). 1 of the submissions does not count toward it. Last evaluated 2023-08-28.

Conditions:
Cohen syndrome (COH1). Also called: PEPPER SYNDROME; Cutis verticis gyrata, retinitis pigmentosa, and sensorineural deafness. Identifiers: Orphanet 193, MedGen C0265223, MONDO:0008999, OMIM 216550.

Allele frequency attached by ClinVar (database versions not stated): gnomAD exomes below 0.00001.

Submissions (2):

3billion
Classification: Pathogenic for Cohen syndrome. Last evaluated: 2023-08-28. Review status: criteria provided, single submitter. Criteria: ACMG Guidelines, 2015. Collection method: clinical testing. Allele origin: germline. Affected: yes.
Comment: The variant is not observed in the gnomAD v2.1.1 dataset. Predicted Consequence/Location: Frameshift: predicted to result in a loss or disruption of normal protein function through nonsense-mediated decay (NMD) or protein truncation. Multiple pathogenic variants are reported downstream of the variant. The variant has been reported to be associated with VPS13B related disorder (ClinVar ID: VCV000056686 /PMID: 15173253). Therefore, this variant is classified as Pathogenic according to the recommendation of ACMG/AMP guideline.

Juha Muilu Group; Institute for Molecular Medicine Finland (FIMM)
Classification: Likely pathogenic for Cohen syndrome. Review status: no assertion criteria provided. Collection method: not provided. Allele origin: unknown. Not counted in ClinVar's aggregate classification.
Comment: FinDis database variant: This variant was not found or characterized by our laboratory, data were collected from public sources: see reference
ClinVar note: Converted during submission from probable-pathogenic to Likely pathogenic.

Literature cited by the submitters: PubMed 15173253 (cited by 3billion).